The following is an entry in ClinVar:

ClinVar aggregate classification (germline): Uncertain significance (1 of 4 stars; one submission).

Conditions:
Fetal akinesia deformation sequence 1 (FADS1). Also called: Pena-Shokeir syndrome type I; Fetal akinesia sequence. Identifiers: Orphanet 994, MedGen C1276035, MONDO:0100101, OMIM 208150, HP:0001989.
Congenital myasthenic syndrome 10. Also called: Myasthenia, limb-girdle, familial. Identifiers: Orphanet 590, MedGen C1850792, MONDO:0009690, OMIM 254300.

Submission:

Labcorp Genetics (formerly Invitae), Labcorp
Classification: Uncertain significance for Congenital myasthenic syndrome 10; Fetal akinesia deformation sequence 1. Last evaluated: 2025-08-18. Review status: criteria provided, single submitter. Criteria: Invitae Variant Classification Sherloc (09022015). Collection method: clinical testing. Allele origin: germline.
Comment: This sequence change replaces leucine, which is neutral and non-polar, with phenylalanine, which is neutral and non-polar, at codon 157 of the DOK7 protein (p.Leu157Phe). This variant is not present in population databases (gnomAD no frequency). This variant has not been reported in the literature in individuals affected with DOK7-related conditions. ClinVar contains an entry for this variant (Variation ID: 2944932). Invitae Evidence Modeling of protein sequence and biophysical properties (such as structural, functional, and spatial information, amino acid conservation, physicochemical variation, residue mobility, and thermodynamic stability) indicates that this missense variant is expected to disrupt DOK7 protein function with a positive predictive value of 80%. In summary, the available evidence is currently insufficient to determine the role of this variant in disease. Therefore, it has been classified as a Variant of Uncertain Significance.

NM_173660.5(DOK7):c.469C>T (p.Leu157Phe)

Gene: DOK7 (docking protein 7; plus strand). Cytogenetic location: 4p16.3.
Variant type: single nucleotide variant.
Coding change: c.469C>T on transcript NM_173660.5 (MANE Select); coding-DNA position 469, C replaced by T.
Protein change: p.Leu157Phe; replaces leucine 157 with phenylalanine.
Molecular consequence: missense variant. On other transcripts: intron variant (1).
Genome position (GRCh38, 1-based): chr4:3,476,479, C>T. VCF-style: chr4-3476479-C-T. GRCh37 (hg19) VCF-style: chr4-3478206-C-T.
Other names: c.101-9060C>T (NM_001363811.2); c.469C>T, p.Leu157Phe (NM_001164673.2, NM_001301071.2); short protein forms L157F.
Identifiers: ClinVar variation 2944932 (VCV002944932.3), dbSNP rs1727097545, ClinGen allele CA356114395.